The following is an entry in ClinVar:

NM_018062.4(FANCL):c.611T>C (p.Met204Thr)

Gene: FANCL (FA complementation group L; minus strand). Cytogenetic location: 2p16.1.
Variant type: single nucleotide variant.
Coding change: c.611T>C on transcript NM_018062.4 (MANE Select); coding-DNA position 611, T replaced by C.
Protein change: p.Met204Thr; replaces methionine 204 with threonine.
Molecular consequence: missense variant.
Genome position (GRCh38, 1-based): chr2:58,165,804, A>G on the plus strand (T>C on the coding strand, the complement: FANCL is on the minus strand). VCF-style: chr2-58165804-A-G. GRCh37 (hg19) VCF-style: chr2-58392939-A-G.
Other names: c.626T>C, p.Met209Thr (NM_001114636.2); c.656T>C, p.Met219Thr (NM_001374615.1); c.671T>C, p.Met224Thr (NM_001410792.1); short protein forms M209T, M219T, M204T, M224T.
Identifiers: ClinVar variation 1441571 (VCV001441571.6), dbSNP rs368900762, ClinGen allele CA1670541.

ClinVar aggregate classification (germline): Uncertain significance. Review status: criteria provided, multiple submitters, no conflicts (2 of 4 stars). 3 submissions from 3 submitters: Uncertain significance (3). Last evaluated 2024-10-22.

Conditions:
Fanconi anemia complementation group L (FANCL). Also called: FANCL-Related Fanconi Anemia. Identifiers: Orphanet 84, MedGen C3469528, MONDO:0013566, OMIM 614083.
Fanconi anemia (FA). Also called: Fanconi's anemia. Identifiers: Orphanet 84, MedGen C0015625, MeSH D005199, MONDO:0019391.

Allele frequency attached by ClinVar (database versions not stated): gnomAD 0.00001; ExAC 0.00003; TOPMed 0.00003.
gnomAD v4.1: 19 of 1,614,068 alleles (0.0012%); highest among the groups gnomAD compares: Admixed American, 0.015%; no homozygotes.

Submissions (3):

Labcorp Genetics (formerly Invitae), Labcorp
Classification: Uncertain significance for Fanconi anemia. Last evaluated: 2024-10-22. Review status: criteria provided, single submitter. Criteria: Invitae Variant Classification Sherloc (09022015). Collection method: clinical testing. Allele origin: germline.
Comment: This sequence change replaces methionine, which is neutral and non-polar, with threonine, which is neutral and polar, at codon 204 of the FANCL protein (p.Met204Thr). This variant is present in population databases (rs368900762, gnomAD 0.02%). This variant has not been reported in the literature in individuals affected with FANCL-related conditions. ClinVar contains an entry for this variant (Variation ID: 1441571). Invitae Evidence Modeling of protein sequence and biophysical properties (such as structural, functional, and spatial information, amino acid conservation, physicochemical variation, residue mobility, and thermodynamic stability) indicates that this missense variant is expected to disrupt FANCL protein function with a positive predictive value of 80%. In summary, the available evidence is currently insufficient to determine the role of this variant in disease. Therefore, it has been classified as a Variant of Uncertain Significance.

Fulgent Genetics
Classification: Uncertain significance for Fanconi anemia complementation group L. Last evaluated: 2021-07-21. Review status: criteria provided, single submitter. Criteria: ACMG Guidelines, 2015. Collection method: clinical testing. Allele origin: unknown.

Sema4
Classification: Uncertain significance for Fanconi anemia. Last evaluated: 2021-05-18. Review status: criteria provided, single submitter. Criteria: Sema4 Curation Guidelines. Collection method: curation. Allele origin: germline.
Comment: The FANCL c.611T>C (p.M204T) variant has not been reported in the literature to our knowledge. It was observed in 8/34592 chromosomes in the Latino subpopulation in the large and broad cohorts of the Genome Aggregation Database (PMID: 32461654). The variant has not been reported in ClinVar. In silico tools suggest the impact of the variant on protein function is inconclusive, though these predictions have not been confirmed by functional studies. The evidence is insufficient to meet ACMG/AMP criteria for classifying the variant as benign or pathogenic. Thus, the clinical significance of this variant is currently uncertain.